The following is an entry in ClinVar:

ClinVar aggregate classification (germline): Pathogenic. Review status: criteria provided, multiple submitters, no conflicts (2 of 4 stars). 2 submissions from 2 submitters: Pathogenic (2). Last evaluated 2025-06-26.

Conditions:
Coffin-Siris syndrome 1 (CSS1). Also called: ARID1B-Related Coffin-Siris Syndrome; Mental retardation, autosomal dominant 12. Identifiers: Orphanet 1465, MedGen C3281201, MONDO:0007617, OMIM 135900. Disease mechanism: gain of function.

Submissions (2):

GeneDx
Classification: Pathogenic. Last evaluated: 2025-06-26. Review status: criteria provided, single submitter. Criteria: GeneDx Variant Classification Process June 2021. Collection method: clinical testing. Allele origin: germline. Affected: yes.
Comment: Nonsense variant predicted to result in protein truncation or nonsense mediated decay in a gene for which loss of function is a known mechanism of disease; Not observed at significant frequency in large population cohorts (gnomAD); This variant is associated with the following publications: (PMID: 26633542, 37500730, 33057194, 35982159)

New York Genome Center
Classification: Pathogenic for Coffin-Siris syndrome 1. Last evaluated: 2020-06-29. Review status: criteria provided, single submitter. Criteria: NYGC Assertion Criteria 2020. Collection method: clinical testing. Allele origin: de novo. Observed: 1 heterozygote. Study: CSER-NYCKidSeq.
Comment: The c.3901C>T, p.Gln1301Ter nonsense variant in the ARID1B gene has been reported in an individual with multiple congenital anomalies [PMID: 26633542]. This variant is not reported in gnomADdatabase, indicating this is a rare allele and predicted to cause loss of normal protein function either through protein truncation or nonsense-mediated mRNA decay [PMID: 18000842]. Based on the available evidence, the variant c.3901C>T, p.Gln1301Terin the ARID1B gene is classified as pathogenic.

NM_001374828.1(ARID1B):c.4150C>T (p.Gln1384Ter)

Gene: ARID1B (AT-rich interaction domain 1B; plus strand). Cytogenetic location: 6q25.3.
Variant type: single nucleotide variant.
Coding change: c.4150C>T on transcript NM_001374828.1 (MANE Select); coding-DNA position 4150, C replaced by T.
Protein change: p.Gln1384Ter; replaces glutamine 1384 with a stop codon.
Molecular consequence: nonsense.
Genome position (GRCh38, 1-based): chr6:157,190,129, C>T. VCF-style: chr6-157190129-C-T. GRCh37 (hg19) VCF-style: chr6-157511263-C-T.
Other names: c.3901C>T (NM_001346813.1); c.1651C>T, p.Gln551Ter (NM_001363725.2); c.4030C>T, p.Gln1344Ter (NM_001371656.1, NM_001374820.1); c.3991C>T, p.Gln1331Ter (NM_017519.3); short protein forms Q1331*, Q1344*, Q1384*, Q551*.
Identifiers: ClinVar variation 1184336 (VCV001184336.4), dbSNP rs1182325800, ClinGen allele CA366235333.